The following is an entry in ClinVar:

ClinVar aggregate classification (germline): Uncertain significance (1 of 4 stars; one submission).

Submission:

CeGaT Center for Human Genetics Tuebingen
Classification: Uncertain significance. Last evaluated: 2023-10-01. Review status: criteria provided, single submitter. Criteria: CeGaT Center For Human Genetics Tuebingen Variant Classification Criteria Version 2. Collection method: clinical testing. Allele origin: germline. Affected: yes. Observed: 1 variant allele.
Comment: AIFM1: PM2, BP4

NM_004208.4(AIFM1):c.176C>T (p.Ala59Val)

Genes: AIFM1 (apoptosis inducing factor mitochondria associated 1; minus strand), RAB33A (RAB33A, member RAS oncogene family; plus strand). Cytogenetic location: Xq26.1.
Variant type: single nucleotide variant.
Coding change: c.176C>T on transcript NM_004208.4 (MANE Select); coding-DNA position 176, C replaced by T.
Protein change: p.Ala59Val; replaces alanine 59 with valine.
Molecular consequence: missense variant. On other transcripts: intron variant (1).
Genome position (GRCh38, 1-based): chrX:130,156,534, G>A on the plus strand (C>T on the coding strand, the complement: AIFM1 is on the minus strand). VCF-style: chrX-130156534-G-A. GRCh37 (hg19) VCF-style: chrX-129290508-G-A.
Other names: c.176C>T, p.Ala59Val (NM_001130847.4); c.107-1248C>T (NM_145812.3); short protein forms A59V.
Identifiers: ClinVar variation 2661434 (VCV002661434.24), dbSNP rs2124673779, ClinGen allele CA414593831.
Genomic context (GRCh38, chrX:130,156,534, plus strand): 5'-CCTACTGTTGATAAGCCCACAATAAGGACTAACACAGAATTATCGATTTTGCCCCCTGAT[G>A]CACCAGAGCTAGCCATTTGTCTTGTCATCTGGAGTTCTAGAGGAACATGCCATCGCTGGA-3'
Protein context (NP_004199.1, residues 49-69): QMTRQMASSG[Ala59Val]SGGKIDNSVL